The following is an entry in ClinVar:

ClinVar aggregate classification (germline): Uncertain significance (1 of 4 stars; one submission).

Allele frequency attached by ClinVar (database versions not stated): TOPMed below 0.00001.
gnomAD v4.1: 3 of 1,610,230 alleles (0.00019%); highest among the groups gnomAD compares: Non-Finnish European, 0.000085%; no homozygotes.

Submission:

GeneDx
Classification: Uncertain significance. Last evaluated: 2024-03-26. Review status: criteria provided, single submitter. Criteria: GeneDx Variant Classification Process June 2021. Collection method: clinical testing. Allele origin: germline.
Comment: Not observed at significant frequency in large population cohorts (gnomAD); In silico analysis supports that this missense variant has a deleterious effect on protein structure/function; Has not been previously published as pathogenic or benign to our knowledge; This variant is associated with the following publications: (PMID: 27535533)

NM_001162501.2(TNRC6B):c.2992G>C (p.Gly998Arg)

Gene: TNRC6B (trinucleotide repeat containing adaptor 6B; plus strand). Cytogenetic location: 22q13.1.
Variant type: single nucleotide variant.
Coding change: c.2992G>C on transcript NM_001162501.2 (MANE Select); coding-DNA position 2992, G replaced by C.
Protein change: p.Gly998Arg; replaces glycine 998 with arginine.
Molecular consequence: missense variant.
Genome position (GRCh38, 1-based): chr22:40,273,451, G>C. VCF-style: chr22-40273451-G-C. GRCh37 (hg19) VCF-style: chr22-40669455-G-C.
Other names: c.751G>C, p.Gly251Arg (NM_001024843.2); c.2833G>C, p.Gly945Arg (NM_015088.3); short protein forms G251R, G945R, G998R.
Identifiers: ClinVar variation 1703331 (VCV001703331.3), dbSNP rs1479394033, ClinGen allele CA411644523.